The following is an entry in ClinVar:

ClinVar aggregate classification (germline): Uncertain significance. Review status: criteria provided, multiple submitters, no conflicts (2 of 4 stars). 2 submissions from 2 submitters: Uncertain significance (2). Last evaluated 2025-12-16.

Conditions:
Severe early-onset pulmonary alveolar proteinosis due to MARS deficiency. Also called: Interstitial lung and liver disease; PULMONARY ALVEOLAR PROTEINOSIS, REUNION ISLAND. Identifiers: Orphanet 440427, MedGen C4225400, MONDO:0014206, OMIM 615486.
Charcot-Marie-Tooth disease axonal type 2U. Also called: CHARCOT-MARIE-TOOTH NEUROPATHY, TYPE 2U; CHARCOT-MARIE-TOOTH DISEASE, AXONAL, AUTOSOMAL DOMINANT, TYPE 2U. Identifiers: Orphanet 397735, MedGen C4084821, MONDO:0014566, OMIM 616280.

Allele frequency attached by ClinVar (database versions not stated): gnomAD 0.00001; gnomAD exomes 0.00001; TOPMed 0.00002.
gnomAD v4.1: 10 of 1,614,106 alleles (0.00062%); highest among the groups gnomAD compares: Non-Finnish European, 0.00085%; no homozygotes.

Submissions (2):

Ambry Genetics
Classification: Uncertain significance. Last evaluated: 2025-12-16. Review status: criteria provided, single submitter. Criteria: Ambry Variant Classification Scheme 2023. Collection method: clinical testing. Allele origin: germline.

Labcorp Genetics (formerly Invitae), Labcorp
Classification: Uncertain significance for Charcot-Marie-Tooth disease axonal type 2U; Severe early-onset pulmonary alveolar proteinosis due to MARS deficiency. Last evaluated: 2023-11-25. Review status: criteria provided, single submitter. Criteria: Invitae Variant Classification Sherloc (09022015). Collection method: clinical testing. Allele origin: germline.
Comment: This sequence change replaces asparagine, which is neutral and polar, with serine, which is neutral and polar, at codon 642 of the MARS protein (p.Asn642Ser). This variant is present in population databases (no rsID available, gnomAD 0.0009%). This variant has not been reported in the literature in individuals affected with MARS-related conditions. An algorithm developed to predict the effect of missense changes on protein structure and function (PolyPhen-2) suggests that this variant is likely to be disruptive. In summary, the available evidence is currently insufficient to determine the role of this variant in disease. Therefore, it has been classified as a Variant of Uncertain Significance.

NM_004990.4(MARS1):c.1925A>G (p.Asn642Ser)

Gene: MARS1 (methionyl-tRNA synthetase 1; plus strand). Cytogenetic location: 12q13.3.
Variant type: single nucleotide variant.
Coding change: c.1925A>G on transcript NM_004990.4 (MANE Select); coding-DNA position 1925, A replaced by G.
Protein change: p.Asn642Ser; replaces asparagine 642 with serine.
Molecular consequence: missense variant.
Genome position (GRCh38, 1-based): chr12:57,512,922, A>G. VCF-style: chr12-57512922-A-G. GRCh37 (hg19) VCF-style: chr12-57906705-A-G.
Other names: c.1925A>G (NM_004990.3); short protein forms N642S.
Identifiers: ClinVar variation 2923841 (VCV002923841.4), dbSNP rs986239126, ClinGen allele CA237770623.